The following is an entry in ClinVar:

ClinVar aggregate classification (germline): Conflicting classifications of pathogenicity. Review status: criteria provided, conflicting classifications (1 of 4 stars). 3 submissions from 3 submitters: Uncertain significance (2); Likely benign (1). Last evaluated 2025-09-01.

Conditions:
Primary ciliary dyskinesia. Also called: Ciliary dyskinesia. Identifiers: Orphanet 244, MedGen C0008780, MONDO:0016575, HP:0012265.
Primary ciliary dyskinesia 3. Identifiers: Orphanet 244, MedGen C1837618, MONDO:0012085, OMIM 608644.

Allele frequency attached by ClinVar (database versions not stated): gnomAD 0.00003; gnomAD exomes 0.00003 and 0.00004; ExAC 0.00005; TOPMed 0.00006; ESP Exome Variant Server 0.00008.
gnomAD v4.1: 54 of 1,614,030 alleles (0.0033%); highest among the groups gnomAD compares: Non-Finnish European, 0.0045%; no homozygotes.

Submissions (3):

Labcorp Genetics (formerly Invitae), Labcorp
Classification: Likely benign for Primary ciliary dyskinesia. Last evaluated: 2025-09-01. Review status: criteria provided, single submitter. Criteria: Invitae Variant Classification Sherloc (09022015). Collection method: clinical testing. Allele origin: germline.

Ambry Genetics
Classification: Uncertain significance for Primary ciliary dyskinesia. Last evaluated: 2024-11-10. Review status: criteria provided, single submitter. Criteria: Ambry Variant Classification Scheme 2023. Collection method: clinical testing. Allele origin: germline.
Comment: The p.H3484L variant (also known as c.10451A>T), located in coding exon 62 of the DNAH5 gene, results from an A to T substitution at nucleotide position 10451. The histidine at codon 3484 is replaced by leucine, an amino acid with similar properties. This amino acid position is conserved. In addition, this alteration is predicted to be tolerated by in silico analysis. Based on the available evidence, the clinical significance of this variant remains unclear.

Illumina Laboratory Services, Illumina
Classification: Uncertain significance for Primary ciliary dyskinesia 3. Last evaluated: 2018-01-12. Review status: criteria provided, single submitter. Criteria: ICSL Variant Classification Criteria 13 December 2019. Collection method: clinical testing. Allele origin: germline.

NM_001369.3(DNAH5):c.10451A>T (p.His3484Leu)

Gene: DNAH5 (dynein axonemal heavy chain 5; minus strand). Cytogenetic location: 5p15.2.
Variant type: single nucleotide variant.
Coding change: c.10451A>T on transcript NM_001369.3 (MANE Select); coding-DNA position 10451, A replaced by T.
Protein change: p.His3484Leu; replaces histidine 3484 with leucine.
Molecular consequence: missense variant.
Genome position (GRCh38, 1-based): chr5:13,754,307, T>A on the plus strand (A>T on the coding strand, the complement: DNAH5 is on the minus strand). VCF-style: chr5-13754307-T-A. GRCh37 (hg19) VCF-style: chr5-13754416-T-A.
Other names: short protein forms H3484L.
Identifiers: ClinVar variation 904105 (VCV000904105.10), dbSNP rs150532311, ClinGen allele CA3202221.